The following is an entry in ClinVar:

ClinVar aggregate classification (germline): Uncertain significance. Review status: criteria provided, multiple submitters, no conflicts (2 of 4 stars). 3 submissions from 3 submitters: Uncertain significance (3). Last evaluated 2025-01-06.

Conditions:
Hereditary cancer-predisposing syndrome. Also called: Neoplastic Syndromes, Hereditary; Tumor predisposition; Hereditary Cancer Syndrome; Hereditary neoplastic syndrome. Identifiers: Orphanet 140162, MedGen C0027672, MeSH D009386, MONDO:0015356.
Familial adenomatous polyposis 1 (FAP1). Also called: FAMILIAL ADENOMATOUS POLYPOSIS 1, ATTENUATED; POLYPOSIS, ADENOMATOUS INTESTINAL. Identifiers: MedGen C2713442, MONDO:0021056, OMIM 175100. Disease mechanism: loss of function.

Submissions (3):

Color Diagnostics, LLC DBA Color Health
Classification: Uncertain significance for Hereditary cancer-predisposing syndrome. Last evaluated: 2025-01-06. Review status: criteria provided, single submitter. Criteria: ACMG Guidelines, 2015. Collection method: clinical testing. Allele origin: germline.
Comment: This missense variant replaces threonine with serine at codon 1647 of the APC protein. Computational prediction suggests that this variant may have deleterious impact on protein structure and function (internally defined REVEL score threshold >= 0.7, PMID: 27666373). To our knowledge, functional studies have not been reported for this variant. This variant has not been reported in individuals affected with APC-related disorders in the literature. This variant has not been identified in the general population by the Genome Aggregation Database (gnomAD). The available evidence is insufficient to determine the role of this variant in disease conclusively. Therefore, this variant is classified as a Variant of Uncertain Significance.

Ambry Genetics
Classification: Uncertain significance for Hereditary cancer-predisposing syndrome. Last evaluated: 2024-01-31. Review status: criteria provided, single submitter. Criteria: Ambry Variant Classification Scheme 2023. Collection method: clinical testing. Allele origin: germline.
Comment: The p.T1647S variant (also known as c.4939A>T), located in coding exon 15 of the APC gene, results from an A to T substitution at nucleotide position 4939. The threonine at codon 1647 is replaced by serine, an amino acid with similar properties. This amino acid position is highly conserved in available vertebrate species. In addition, in silico predictors for this gene do not accurately predict pathogenicity. Based on the available evidence, the clinical significance of this alteration remains unclear.

Labcorp Genetics (formerly Invitae), Labcorp
Classification: Uncertain significance for Familial adenomatous polyposis 1. Last evaluated: 2023-09-29. Review status: criteria provided, single submitter. Criteria: Invitae Variant Classification Sherloc (09022015). Collection method: clinical testing. Allele origin: germline.
Comment: This sequence change replaces threonine, which is neutral and polar, with serine, which is neutral and polar, at codon 1647 of the APC protein (p.Thr1647Ser). This variant is not present in population databases (gnomAD no frequency). This variant has not been reported in the literature in individuals affected with APC-related conditions. ClinVar contains an entry for this variant (Variation ID: 232583). Advanced modeling of protein sequence and biophysical properties (such as structural, functional, and spatial information, amino acid conservation, physicochemical variation, residue mobility, and thermodynamic stability) performed at Invitae indicates that this missense variant is not expected to disrupt APC protein function. In summary, the available evidence is currently insufficient to determine the role of this variant in disease. Therefore, it has been classified as a Variant of Uncertain Significance.

NM_000038.6(APC):c.4939A>T (p.Thr1647Ser)

Gene: APC (APC regulator of Wnt signaling pathway; plus strand). Cytogenetic location: 5q22.2.
Variant type: single nucleotide variant.
Coding change: c.4939A>T on transcript NM_000038.6 (MANE Select); coding-DNA position 4939, A replaced by T.
Protein change: p.Thr1647Ser; replaces threonine 1647 with serine.
Molecular consequence: missense variant.
Genome position (GRCh38, 1-based): chr5:112,840,533, A>T. VCF-style: chr5-112840533-A-T. GRCh37 (hg19) VCF-style: chr5-112176230-A-T.
Other names: c.4939A>T, p.Thr1647Ser (NM_001127510.3, NM_001354895.2); c.4885A>T, p.Thr1629Ser (NM_001127511.3); c.4993A>T, p.Thr1665Ser (NM_001354896.2); c.4969A>T, p.Thr1657Ser (NM_001354897.2); c.4864A>T, p.Thr1622Ser (NM_001354898.2); c.4855A>T, p.Thr1619Ser (NM_001354899.2); c.4816A>T, p.Thr1606Ser (NM_001354900.2); c.4762A>T, p.Thr1588Ser (NM_001354901.2); and 5 more; short protein forms T1629S, T1647S, T1487S, T1556S, T1606S, T1619S, T1622S, T1665S.
Identifiers: ClinVar variation 232583 (VCV000232583.14), dbSNP rs876659854, ClinGen allele CA10578386.